The following is an entry in ClinVar:

ClinVar aggregate classification (germline): Uncertain significance (1 of 4 stars; one submission).

Conditions:
Primary dilated cardiomyopathy (DCM). Also called: Dilated Cardiomyopathy. Identifiers: Orphanet 217604, MedGen C0007193, MeSH D002311, MONDO:0005021, HP:0001644. Inheritance: Various modes of inheritance.

gnomAD v4.1: 2 of 1,499,738 alleles (0.00013%); highest among the groups gnomAD compares: Non-Finnish European, 0.00018%; no homozygotes.

Submission:

Labcorp Genetics (formerly Invitae), Labcorp
Classification: Uncertain significance for Primary dilated cardiomyopathy. Last evaluated: 2023-09-27. Review status: criteria provided, single submitter. Criteria: Invitae Variant Classification Sherloc (09022015). Collection method: clinical testing. Allele origin: germline.
Comment: ClinVar contains an entry for this variant (Variation ID: 2008492). This variant has not been reported in the literature in individuals affected with TXNRD2-related conditions. This variant is not present in population databases (gnomAD no frequency). This sequence change creates a premature translational stop signal (p.Gln20*) in the TXNRD2 gene. It is expected to result in an absent or disrupted protein product. However, the current clinical and genetic evidence is not sufficient to establish whether loss-of-function variants in TXNRD2 cause disease. In summary, the available evidence is currently insufficient to determine the role of this variant in disease. Therefore, it has been classified as a Variant of Uncertain Significance.

NM_006440.5(TXNRD2):c.58C>T (p.Gln20Ter)

Genes: TXNRD2 (thioredoxin reductase 2; minus strand), LOC130066960 (ATAC-STARR-seq lymphoblastoid silent region 13467; plus strand). Cytogenetic location: 22q11.21.
Variant type: single nucleotide variant.
Coding change: c.58C>T on transcript NM_006440.5 (MANE Select); coding-DNA position 58, C replaced by T.
Protein change: p.Gln20Ter; replaces glutamine 20 with a stop codon.
Molecular consequence: nonsense. On other transcripts: non-coding transcript variant (1).
Genome position (GRCh38, 1-based): chr22:19,941,746, G>A on the plus strand (C>T on the coding strand, the complement: TXNRD2 is on the minus strand). VCF-style: chr22-19941746-G-A. GRCh37 (hg19) VCF-style: chr22-19929269-G-A.
Other names: c.58C>T, p.Gln20Ter (NM_001282512.3, NM_001352300.2); c.-243G>A (NM_000754.3); short protein forms Q20*.
Identifiers: ClinVar variation 2008492 (VCV002008492.4), dbSNP rs748298389, ClinGen allele CA410700078.